The following is an entry in ClinVar:

ClinVar aggregate classification (germline): Likely benign (1 of 4 stars; one submission).

Submission:

CeGaT Center for Human Genetics Tuebingen
Classification: Likely benign. Last evaluated: 2026-05-01. Review status: criteria provided, single submitter. Criteria: CeGaT Center For Human Genetics Tuebingen Variant Classification Criteria Version 2. Collection method: clinical testing. Allele origin: germline. Affected: yes. Observed: 1 variant allele.
Comment: FZD8: BP4, BP7

NM_031866.3(FZD8):c.1101G>T (p.Ala367=)

Gene: FZD8 (frizzled class receptor 8; minus strand). Cytogenetic location: 10p11.21.
Variant type: single nucleotide variant.
Coding change: c.1101G>T on transcript NM_031866.3 (MANE Select); coding-DNA position 1101, G replaced by T.
Protein change: p.Ala367=; no amino-acid change (alanine 367 retained).
Molecular consequence: synonymous variant.
Genome position (GRCh38, 1-based): chr10:35,640,329, C>A on the plus strand (G>T on the coding strand, the complement: FZD8 is on the minus strand). VCF-style: chr10-35640329-C-A. GRCh37 (hg19) VCF-style: chr10-35929257-C-A.
Identifiers: ClinVar variation 4872818 (VCV004872818.2).